The following is an entry in ClinVar:

NM_004826.4(ECEL1):c.1506G>C (p.Lys502Asn)

Gene: ECEL1 (endothelin converting enzyme like 1; minus strand). Cytogenetic location: 2q37.1.
Variant type: single nucleotide variant.
Coding change: c.1506G>C on transcript NM_004826.4 (MANE Select); coding-DNA position 1506, G replaced by C.
Protein change: p.Lys502Asn; replaces lysine 502 with asparagine.
Molecular consequence: missense variant.
Genome position (GRCh38, 1-based): chr2:232,483,416, C>G on the plus strand (G>C on the coding strand, the complement: ECEL1 is on the minus strand). VCF-style: chr2-232483416-C-G. GRCh37 (hg19) VCF-style: chr2-233348126-C-G.
Other names: c.1506G>C, p.Lys502Asn (NM_001290787.2); short protein forms K502N.
Identifiers: ClinVar variation 3359261 (VCV003359261.1).

ClinVar aggregate classification (germline): Uncertain significance (1 of 4 stars; one submission).

Conditions:
Distal arthrogryposis type 5D (DA5D). Identifiers: Orphanet 329457, MedGen C3554415, MONDO:0014028, OMIM 615065.

Submission:

Suma Genomics
Classification: Uncertain significance for Distal arthrogryposis type 5D. Review status: criteria provided, single submitter. Criteria: ACMG Guidelines, 2015. Collection method: clinical testing. Allele origin: germline. Inheritance: Autosomal recessive inheritance. Affected: yes. Observed: 1 compound heterozygote.
Comment: A missense variant c.1506G>C, p.(Lys502Asn) is observed in exon 8 of ECEL1 in trans with another variant. This variant is not observed in the gnomAD database. ACMG criteria: PM2_supporting and PP3